The following is an entry in ClinVar:

ClinVar aggregate classification (germline): Uncertain significance (1 of 4 stars; one submission).

Submission:

GeneDx
Classification: Uncertain significance. Last evaluated: 2019-12-18. Review status: criteria provided, single submitter. Criteria: GeneDx Variant Classification Process June 2021. Collection method: clinical testing. Allele origin: germline. Affected: yes.
Comment: Not observed in large population cohorts (Lek et al., 2016); In silico analysis, which includes protein predictors and evolutionary conservation, supports a deleterious effect; Has not been previously published as pathogenic or benign to our knowledge

NM_001271.4(CHD2):c.4523A>C (p.Lys1508Thr)

Gene: CHD2 (chromodomain helicase DNA binding protein 2; plus strand). Cytogenetic location: 15q26.1.
Variant type: single nucleotide variant.
Coding change: c.4523A>C on transcript NM_001271.4 (MANE Select); coding-DNA position 4523, A replaced by C.
Protein change: p.Lys1508Thr; replaces lysine 1508 with threonine.
Molecular consequence: missense variant.
Genome position (GRCh38, 1-based): chr15:93,009,254, A>C. VCF-style: chr15-93009254-A-C. GRCh37 (hg19) VCF-style: chr15-93552484-A-C.
Other names: short protein forms K1508T.
Identifiers: ClinVar variation 1310472 (VCV001310472.2), dbSNP rs2141881622, ClinGen allele CA393904571.